The following is an entry in ClinVar:

NM_181672.3(OGT):c.596G>A (p.Cys199Tyr)

Gene: OGT (O-linked N-acetylglucosamine (GlcNAc) transferase; plus strand). Cytogenetic location: Xq13.1.
Variant type: single nucleotide variant.
Coding change: c.596G>A on transcript NM_181672.3 (MANE Select); coding-DNA position 596, G replaced by A.
Protein change: p.Cys199Tyr; replaces cysteine 199 with tyrosine.
Molecular consequence: missense variant.
Genome position (GRCh38, 1-based): chrX:71,547,971, G>A. VCF-style: chrX-71547971-G-A. GRCh37 (hg19) VCF-style: chrX-70767821-G-A.
Other names: c.566G>A, p.Cys189Tyr (NM_181673.3); short protein forms C189Y, C199Y.
Identifiers: ClinVar variation 1709135 (VCV001709135.2), dbSNP rs2522830359, ClinGen allele CA413541108.

ClinVar aggregate classification (germline): Uncertain significance (1 of 4 stars; one submission).

Conditions:
Intellectual developmental disorder, X-linked 106. Also called: Intellectual disability, X-linked 106; Mental retardation, X-linked 106. Identifiers: MedGen C4478379, MONDO:0030907, OMIM 300997.

Submission:

MGZ Medical Genetics Center
Classification: Uncertain significance for Intellectual developmental disorder, X-linked 106. Last evaluated: 2022-02-17. Review status: criteria provided, single submitter. Criteria: ACMG Guidelines, 2015. Collection method: clinical testing. Allele origin: germline. Affected: yes. Observed: 1 variant allele.
Comment: ACMG criteria applied: PM2_SUP